The following is an entry in ClinVar:

ClinVar aggregate classification (germline): Uncertain significance (1 of 4 stars; one submission).

Conditions:
Neurofibromatosis, type 1 (NF1). Also called: Peripheral type neurofibromatosis; NEUROFIBROMATOSIS, TYPE I, SOMATIC; VON RECKLINGHAUSEN DISEASE; Neurofibromatosis, type I. Identifiers: Orphanet 636, MedGen C0027831, MONDO:0018975, OMIM 162200. Disease mechanism: loss of function.

Submission:

Labcorp Genetics (formerly Invitae), Labcorp
Classification: Uncertain significance for Neurofibromatosis, type 1. Last evaluated: 2025-07-22. Review status: criteria provided, single submitter. Criteria: Invitae Variant Classification Sherloc (09022015). Collection method: clinical testing. Allele origin: germline.
Comment: This sequence change replaces threonine, which is neutral and polar, with serine, which is neutral and polar, at codon 405 of the NF1 protein (p.Thr405Ser). This variant is not present in population databases (gnomAD no frequency). This variant has not been reported in the literature in individuals affected with NF1-related conditions. ClinVar contains an entry for this variant (Variation ID: 2746253). Invitae Evidence Modeling of protein sequence and biophysical properties (such as structural, functional, and spatial information, amino acid conservation, physicochemical variation, residue mobility, and thermodynamic stability) has been performed for this missense variant. However, the output from this modeling did not meet the statistical confidence thresholds required to predict the impact of this variant on NF1 protein function. In summary, the available evidence is currently insufficient to determine the role of this variant in disease. Therefore, it has been classified as a Variant of Uncertain Significance.

NM_001042492.3(NF1):c.1213A>T (p.Thr405Ser)

Gene: NF1 (neurofibromin 1; plus strand). Cytogenetic location: 17q11.2.
Variant type: single nucleotide variant.
Coding change: c.1213A>T on transcript NM_001042492.3 (MANE Select); coding-DNA position 1213, A replaced by T.
Protein change: p.Thr405Ser; replaces threonine 405 with serine.
Molecular consequence: missense variant.
Genome position (GRCh38, 1-based): chr17:31,201,438, A>T. VCF-style: chr17-31201438-A-T. GRCh37 (hg19) VCF-style: chr17-29528456-A-T.
Other names: c.1213A>T, p.Thr405Ser (NM_000267.4, NM_001128147.3); short protein forms T405S.
Identifiers: ClinVar variation 2746253 (VCV002746253.3), dbSNP rs587782233, ClinGen allele CA398997536.